The following is an entry in ClinVar:

ClinVar aggregate classification (germline): Uncertain significance. Review status: criteria provided, multiple submitters, no conflicts (2 of 4 stars). 2 submissions from 2 submitters: Uncertain significance (2). Last evaluated 2025-06-12.

Conditions:
Jeune thoracic dystrophy. Also called: Short-rib thoracic dysplasia; Jeune syndrome; Infantile thoracic dystrophy; Thoracic pelvic phalangeal dystrophy; Jeune's syndrome; Chondroectodermal dysplasia-like syndrome. Identifiers: Orphanet 474, MedGen C0265275, MONDO:0018770.
Nephronophthisis. Also called: Juvenile Nephronophthisis. Identifiers: Orphanet 655, MedGen C0687120, MONDO:0019005, HP:0000090.
Inborn genetic diseases. Identifiers: MedGen C0950123, MeSH D030342.

Submissions (2):

Ambry Genetics
Classification: Uncertain significance for Inborn genetic diseases. Last evaluated: 2025-06-12. Review status: criteria provided, single submitter. Criteria: Ambry Variant Classification Scheme 2023. Collection method: clinical testing. Allele origin: germline.

Labcorp Genetics (formerly Invitae), Labcorp
Classification: Uncertain significance for Jeune thoracic dystrophy; Nephronophthisis. Last evaluated: 2022-05-13. Review status: criteria provided, single submitter. Criteria: Invitae Variant Classification Sherloc (09022015). Collection method: clinical testing. Allele origin: germline.
Comment: This sequence change replaces serine, which is neutral and polar, with asparagine, which is neutral and polar, at codon 1261 of the TTC21B protein (p.Ser1261Asn). In summary, the available evidence is currently insufficient to determine the role of this variant in disease. Therefore, it has been classified as a Variant of Uncertain Significance. Algorithms developed to predict the effect of missense changes on protein structure and function (SIFT, PolyPhen-2, Align-GVGD) all suggest that this variant is likely to be tolerated. This variant has not been reported in the literature in individuals affected with TTC21B-related conditions. This variant is present in population databases (rs371730439, gnomAD 0.003%).

NM_024753.5(TTC21B):c.3782G>A (p.Ser1261Asn)

Gene: TTC21B (tetratricopeptide repeat domain 21B; minus strand). Cytogenetic location: 2q24.3.
Variant type: single nucleotide variant.
Coding change: c.3782G>A on transcript NM_024753.5 (MANE Select); coding-DNA position 3782, G replaced by A.
Protein change: p.Ser1261Asn; replaces serine 1261 with asparagine.
Molecular consequence: missense variant.
Genome position (GRCh38, 1-based): chr2:165,880,702, C>T on the plus strand (G>A on the coding strand, the complement: TTC21B is on the minus strand). VCF-style: chr2-165880702-C-T. GRCh37 (hg19) VCF-style: chr2-166737212-C-T.
Other names: c.3782G>A (NM_024753.3); short protein forms S1261N.
Identifiers: ClinVar variation 1415071 (VCV001415071.8), dbSNP rs371730439, ClinGen allele CA1941409.
Genomic context (GRCh38, chr2:165,880,702, plus strand): 5'-TTTTTCTGTGAAAAATCTAGGTGATTGCCAAACTCACCTACTGCCGGATTTGTCCGATTG[C>T]TATATTTCCATGCCATCTCATAGTTCAAGGCAGCATCTGTATATGCTTGCTCTTTTTCCA-3'
Protein context (NP_079029.3, residues 1251-1271): ALNYEMAWKY[Ser1261Asn]NRTNPAVGYK